The following is an entry in ClinVar:

ClinVar aggregate classification (germline): Likely benign (1 of 4 stars; one submission).

Submission:

CeGaT Center for Human Genetics Tuebingen
Classification: Likely benign. Last evaluated: 2026-03-01. Review status: criteria provided, single submitter. Criteria: CeGaT Center For Human Genetics Tuebingen Variant Classification Criteria Version 2. Collection method: clinical testing. Allele origin: germline. Affected: yes. Observed: 1 variant allele.
Comment: CDC42BPB: PM2:Supporting, BP4, BP7

NM_006035.4(CDC42BPB):c.3687C>T (p.Pro1229=)

Gene: CDC42BPB (CDC42 binding protein kinase beta; minus strand). Cytogenetic location: 14q32.32.
Variant type: single nucleotide variant.
Coding change: c.3687C>T on transcript NM_006035.4 (MANE Select); coding-DNA position 3687, C replaced by T.
Protein change: p.Pro1229=; no amino-acid change (proline 1229 retained).
Molecular consequence: synonymous variant.
Genome position (GRCh38, 1-based): chr14:102,946,529, G>A on the plus strand (C>T on the coding strand, the complement: CDC42BPB is on the minus strand). VCF-style: chr14-102946529-G-A. GRCh37 (hg19) VCF-style: chr14-103412866-G-A.
Other names: c.3609C>T, p.Pro1203= (NM_001411054.1).
Identifiers: ClinVar variation 4823757 (VCV004823757.4).